The following is an entry in ClinVar:

ClinVar aggregate classification (germline): Likely benign. Review status: criteria provided, multiple submitters, no conflicts (2 of 4 stars). 8 submissions from 8 submitters: Likely benign (7). 1 of the submissions does not count toward it. Last evaluated 2025-12-22.

Conditions:
RET-related disorder. Also called: RET-related condition; RET-related disease; RET-related disorders.
Hereditary cancer-predisposing syndrome. Also called: Tumor predisposition; Neoplastic Syndromes, Hereditary; Hereditary neoplastic syndrome; Hereditary Cancer Syndrome. Identifiers: Orphanet 140162, MedGen C0027672, MeSH D009386, MONDO:0015356.
Multiple endocrine neoplasia, type 2 (MEN2). Identifiers: Orphanet 653, MedGen C4048306, MONDO:0019003. Disease mechanism: gain of function.

Allele frequency attached by ClinVar (database versions not stated): TOPMed 0.00001; gnomAD exomes 0.00002 and 0.00006; gnomAD 0.00003; ExAC 0.00007; 1000 Genomes Project 0.00020; 1000 Genomes Project 30x 0.00031.
gnomAD v4.1: 37 of 1,614,042 alleles (0.0023%); highest among the groups gnomAD compares: Admixed American, 0.027%; no homozygotes.

Submissions (8):

Labcorp Genetics (formerly Invitae), Labcorp
Classification: Likely benign for Multiple endocrine neoplasia, type 2. Last evaluated: 2025-12-22. Review status: criteria provided, single submitter. Criteria: Invitae Variant Classification Sherloc (09022015). Collection method: clinical testing. Allele origin: germline.

Blueprint Genetics
Classification: Likely benign. Last evaluated: 2024-09-14. Review status: criteria provided, single submitter. Criteria: ACMG Guidelines, 2015. Collection method: clinical testing. Allele origin: germline.

All of Us Research Program, National Institutes of Health
Classification: Likely benign for Multiple endocrine neoplasia, type 2. Last evaluated: 2023-12-18. Review status: criteria provided, single submitter. Criteria: ACMG Guidelines, 2015. Collection method: clinical testing. Allele origin: germline. Inheritance: Autosomal dominant inheritance. Observed: 15 variant alleles, 15 heterozygotes.
Comment: This study involves interpretation of variants in research participants for the purpose of population health screening. Participant phenotype was not available at the time of variant classification. Additional details can be found in publication PMID: 35346344, PMCID: PMC8962531

Color Diagnostics, LLC DBA Color Health
Classification: Likely benign for Multiple endocrine neoplasia, type 2. Last evaluated: 2022-09-29. Review status: criteria provided, single submitter. Criteria: ACMG Guidelines, 2015. Collection method: clinical testing. Allele origin: germline.

Sema4
Classification: Likely benign for Hereditary cancer-predisposing syndrome. Last evaluated: 2021-05-18. Review status: criteria provided, single submitter. Criteria: Sema4 Curation Guidelines. Collection method: curation. Allele origin: germline.

GeneDx
Classification: Likely benign. Last evaluated: 2018-04-26. Review status: criteria provided, single submitter. Criteria: GeneDx Variant Classification (06012015). Collection method: clinical testing. Allele origin: germline. Affected: yes.
Comment: This variant is considered likely benign or benign based on one or more of the following criteria: it is a conservative change, it occurs at a poorly conserved position in the protein, it is predicted to be benign by multiple in silico algorithms, and/or has population frequency not consistent with disease.

Ambry Genetics
Classification: Likely benign for Hereditary cancer-predisposing syndrome. Last evaluated: 2014-12-29. Review status: criteria provided, single submitter. Criteria: Ambry Variant Classification Scheme 2023. Collection method: clinical testing. Allele origin: germline.

PreventionGenetics, part of Exact Sciences
Classification: Likely benign for RET-related condition. Last evaluated: 2019-10-10. Review status: no assertion criteria provided. Collection method: clinical testing. Allele origin: germline. Not counted in ClinVar's aggregate classification.
Comment: This variant is classified as likely benign based on ACMG/AMP sequence variant interpretation guidelines (Richards et al. 2015 PMID: 25741868, with internal and published modifications).

NM_020975.6(RET):c.3138C>A (p.Ala1046=)

Gene: RET (ret proto-oncogene; plus strand). Cytogenetic location: 10q11.21.
Variant type: single nucleotide variant.
Coding change: c.3138C>A on transcript NM_020975.6 (MANE Select); coding-DNA position 3138, C replaced by A.
Protein change: p.Ala1046=; no amino-acid change (alanine 1046 retained).
Molecular consequence: synonymous variant. On other transcripts: intron variant (4).
Genome position (GRCh38, 1-based): chr10:43,126,673, C>A. VCF-style: chr10-43126673-C-A. GRCh37 (hg19) VCF-style: chr10-43622121-C-A.
Other names: c.3138C>A, p.Ala1046= (NM_000323.2, NM_001406743.1, NM_001406744.1 and 2 more transcripts); c.2376C>A, p.Ala792= (NM_001355216.2); c.3009C>A, p.Ala1003= (NM_001406761.1, NM_001406762.1, NM_001406764.1); c.3003C>A, p.Ala1001= (NM_001406763.1, NM_001406765.1); c.2850C>A, p.Ala950= (NM_001406766.1, NM_001406767.1, NM_001406770.1); c.2874C>A, p.Ala958= (NM_001406768.1); c.2742C>A, p.Ala914= (NM_001406769.1, NM_001406772.1); c.2700C>A, p.Ala900= (NM_001406771.1, NM_001406773.1); and 13 more.
Identifiers: ClinVar variation 184537 (VCV000184537.22), dbSNP rs201576838, ClinGen allele CA009204.